The following is an entry in ClinVar:

ClinVar aggregate classification (germline): Likely benign. Review status: criteria provided, single submitter (1 of 4 stars). 2 submissions from 2 submitters: Likely benign (1). 1 of the submissions does not count toward it. Last evaluated 2025-10-14.

Conditions:
PAX6-related disorder. Also called: PAX6-related disorders; PAX6-related condition.
Aniridia 1 (AN1). Identifiers: Orphanet 250923, MedGen C0344542, MONDO:0024507, OMIM 106210.
Irido-corneo-trabecular dysgenesis (ASGD5). Also called: ANTERIOR SEGMENT DYSGENESIS 5. Identifiers: Orphanet 708, MedGen C0344559, MONDO:0011414, OMIM 604229, HP:0000659.

Allele frequency attached by ClinVar (database versions not stated): gnomAD 0.00001; gnomAD exomes 0.00001; ESP Exome Variant Server 0.00008.
gnomAD v4.1: 20 of 1,599,052 alleles (0.0013%); highest among the groups gnomAD compares: Admixed American, 0.0069%; no homozygotes.

Submissions (2):

Labcorp Genetics (formerly Invitae), Labcorp
Classification: Likely benign for Aniridia 1; Irido-corneo-trabecular dysgenesis. Last evaluated: 2025-10-14. Review status: criteria provided, single submitter. Criteria: Invitae Variant Classification Sherloc (09022015). Collection method: clinical testing. Allele origin: germline.

PreventionGenetics, part of Exact Sciences
Classification: Likely benign for PAX6-related condition. Last evaluated: 2020-11-17. Review status: no assertion criteria provided. Collection method: clinical testing. Allele origin: germline. Not counted in ClinVar's aggregate classification.
Comment: This variant is classified as likely benign based on ACMG/AMP sequence variant interpretation guidelines (Richards et al. 2015 PMID: 25741868, with internal and published modifications).

NM_001368894.2(PAX6):c.1266C>T (p.Pro422=)

Genes: ELP4 (elongator acetyltransferase complex subunit 4; plus strand), PAX6 (paired box 6; minus strand). Cytogenetic location: 11p13.
Variant type: single nucleotide variant.
Coding change: c.1266C>T on transcript NM_001368894.2 (MANE Select); coding-DNA position 1266, C replaced by T.
Protein change: p.Pro422=; no amino-acid change (proline 422 retained).
Molecular consequence: synonymous variant. On other transcripts: 3 prime UTR variant (3), missense variant (9), non-coding transcript variant (2).
Genome position (GRCh38, 1-based): chr11:31,789,979, G>A on the plus strand (C>T on the coding strand, the complement: PAX6 is on the minus strand). VCF-style: chr11-31789979-G-A. GRCh37 (hg19) VCF-style: chr11-31811527-G-A.
Other names: c.*6441G>A (NM_001288725.2); c.*6550G>A (NM_001288726.2); c.*6455G>A (NM_019040.5); c.1224C>T, p.Pro408= (NM_000280.6, NM_001127612.3, NM_001258464.2 and 6 more transcripts); c.1266C>T, p.Pro422= (NM_001258462.3, NM_001258463.2, NM_001310158.2 and 3 more transcripts); c.816C>T, p.Pro272= (NM_001310160.2, NM_001310161.3, NM_001368899.2 and 10 more transcripts); c.1467C>T, p.Pro489= (NM_001368910.2); c.1118C>T, p.Pro373Leu (NM_001368911.2); and 9 more; short protein forms P358L, P222L, P373L, P305L, P372L.
Identifiers: ClinVar variation 2078141 (VCV002078141.6), dbSNP rs369180308, ClinGen allele CA5933641.